The following is an entry in ClinVar:

ClinVar aggregate classification (germline): Conflicting classifications of pathogenicity. Review status: criteria provided, conflicting classifications (1 of 4 stars). 10 submissions from 10 submitters: Uncertain significance (9); Likely benign (1). Last evaluated 2026-08-19.

Conditions:
ADGRV1-related disorder. Also called: ADGRV1-related disorders; ADGRV1-related condition.
Inborn genetic diseases. Identifiers: MedGen C0950123, MeSH D030342.
Usher syndrome type 2C. Also called: Usher syndrome, type 2B; USHER SYNDROME, TYPE IIC. Identifiers: Orphanet 231178, Orphanet 886, MedGen C2931213, MONDO:0011558, OMIM 605472.
Febrile seizures, familial, 4 (FEB4). Also called: CONVULSIONS, FAMILIAL FEBRILE, 4. Identifiers: MedGen C1858493, MONDO:0011443, OMIM 604352.

Allele frequency attached by ClinVar (database versions not stated): ExAC 0.00029; 1000 Genomes Project 30x 0.00047; gnomAD exomes 0.00026 and 0.00022; ESP Exome Variant Server 0.00041; TOPMed 0.00023; gnomAD 0.00024 and 0.00025; 1000 Genomes Project 0.00040.
gnomAD v4.1: 362 of 1,613,942 alleles (0.022%); highest among the groups gnomAD compares: Middle Eastern, 0.18%; no homozygotes.

Submissions (10):

PreventionGenetics, part of Exact Sciences
Classification: Uncertain significance for ADGRV1-related condition. Last evaluated: 2026-08-19. Review status: criteria provided, single submitter. Criteria: ACMG Guidelines, 2015. Collection method: clinical testing. Allele origin: germline.
Comment: The ADGRV1 c.7468G>A variant is predicted to result in the amino acid substitution p.Ala2490Thr. This variant was reported, along with a second potential causative variant in the same gene, in individuals with retinal disease (supplementary data, Weisschuh et al. 2024. PubMed ID: 37734845; supplementary data, Mihalich et al. 2024. PubMed ID: 38927702). This variant is reported in 0.037% of alleles in individuals of European (Non-Finnish) descent in gnomAD. At this time, the clinical significance of this variant is uncertain due to the absence of conclusive functional and genetic evidence.

CeGaT Center for Human Genetics Tuebingen
Classification: Uncertain significance. Last evaluated: 2026-08-01. Review status: criteria provided, single submitter. Criteria: CeGaT Center For Human Genetics Tuebingen Variant Classification Criteria Version 2. Collection method: clinical testing. Allele origin: germline. Affected: yes. Observed: 1 variant allele.
Comment: ADGRV1: PM2, BP4

Labcorp Genetics (formerly Invitae), Labcorp
Classification: Likely benign. Last evaluated: 2026-01-20. Review status: criteria provided, single submitter. Criteria: Invitae Variant Classification Sherloc (09022015). Collection method: clinical testing. Allele origin: germline.

Blueprint Genetics
Classification: Uncertain significance. Last evaluated: 2024-11-19. Review status: criteria provided, single submitter. Criteria: ACMG Guidelines, 2015. Collection method: clinical testing. Allele origin: germline.

Ambry Genetics
Classification: Uncertain significance for Inborn genetic diseases. Last evaluated: 2022-12-19. Review status: criteria provided, single submitter. Criteria: Ambry Variant Classification Scheme 2023. Collection method: clinical testing. Allele origin: germline.

Fulgent Genetics
Classification: Uncertain significance for Febrile seizures, familial, 4; Usher syndrome type 2C. Last evaluated: 2022-04-11. Review status: criteria provided, single submitter. Criteria: ACMG Guidelines, 2015. Collection method: clinical testing. Allele origin: unknown.

Baylor Genetics
Classification: Uncertain significance for Febrile seizures, familial, 4. Last evaluated: 2020-01-30. Review status: criteria provided, single submitter. Criteria: ACMG Guidelines, 2015. Collection method: clinical testing. Allele origin: unknown. Affected: yes.
Comment: This variant was determined to be of uncertain significance according to ACMG Guidelines, 2015 [PMID:25741868].

ARUP Laboratories, Molecular Genetics and Genomics, ARUP Laboratories
Classification: Uncertain significance. Last evaluated: 2019-09-25. Review status: criteria provided, single submitter. Criteria: ARUP Molecular Germline Variant Investigation Process. Collection method: clinical testing. Allele origin: germline.
Comment: The ADGRV1 c.7468G>A; p.Ala2490Thr variant (rs143632883), to our knowledge, is not reported in the medical literature but is reported in ClinVar (Variation ID: 46373). This variant is found in the general population with an overall allele frequency of 0.02% (67/280370 alleles) in the Genome Aggregation Database. The alanine at codon 2490 is moderately conserved, and computational analyses (SIFT: tolerated, PolyPhen-2: damaging) predict conflicting effects of this variant on protein structure/function. However, due to limited information, the clinical significance of the p.Ala2490Thr variant is uncertain at this time.

Illumina Laboratory Services, Illumina
Classification: Uncertain significance for Usher syndrome type 2C. Last evaluated: 2017-04-27. Review status: criteria provided, single submitter. Criteria: ICSL Variant Classification Criteria 13 December 2019. Collection method: clinical testing. Allele origin: germline.

Laboratory for Molecular Medicine, Mass General Brigham Personalized Medicine
Classification: Uncertain significance. Last evaluated: 2015-02-26. Review status: criteria provided, single submitter. Criteria: LMM Criteria. Collection method: clinical testing. Allele origin: germline. Observed: 2 variant alleles.
Comment: Variant classified as Uncertain Significance - Favor Benign. In addition, this variant has been identifi ed in 30/66628 (0.05%) European chromosomes by the Exome Aggregation Consortium (ExAC; dbSNP rs143632883). The alanine (Ala) res idue at position 2490 is not well conserved in some mammals and most evolutionar y distant species, raising the possibility that a change at this position may be tolerated. Additional computational prediction tools do not provide strong supp ort for or against an impact to the protein. In summary, while the clinical sign ificance of the p.Ala2490Thr variant is uncertain, the conservation data and its frequency in the general population suggest that it is more likely to be benign .

NM_032119.4(ADGRV1):c.7468G>A (p.Ala2490Thr)

Gene: ADGRV1 (adhesion G protein-coupled receptor V1; plus strand). Cytogenetic location: 5q14.3.
Variant type: single nucleotide variant.
Coding change: c.7468G>A on transcript NM_032119.4 (MANE Select); coding-DNA position 7468, G replaced by A.
Protein change: p.Ala2490Thr; replaces alanine 2490 with threonine.
Molecular consequence: missense variant. On other transcripts: non-coding transcript variant (1).
Genome position (GRCh38, 1-based): chr5:90,694,224, G>A. VCF-style: chr5-90694224-G-A. GRCh37 (hg19) VCF-style: chr5-89990041-G-A.
Other names: short protein forms A2490T.
Identifiers: ClinVar variation 46373 (VCV000046373.29), dbSNP rs143632883, ClinGen allele CA138212.